The following is an entry in ClinVar:

NM_001385641.1(SAMD11):c.2433T>G (p.Tyr811Ter)

Gene: SAMD11 (sterile alpha motif domain containing 11; plus strand). Cytogenetic location: 1p36.33.
Variant type: single nucleotide variant.
Coding change: c.2433T>G on transcript NM_001385641.1 (MANE Select); coding-DNA position 2433, T replaced by G.
Protein change: p.Tyr811Ter; replaces tyrosine 811 with a stop codon.
Molecular consequence: nonsense.
Genome position (GRCh38, 1-based): chr1:944,051, T>G. VCF-style: chr1-944051-T-G. GRCh37 (hg19) VCF-style: chr1-879431-T-G.
Other names: c.2436T>G, p.Tyr812Ter (NM_001385640.1); c.1944T>G, p.Tyr648Ter (NM_152486.4); short protein forms Y648*, Y811*, Y812*.
Identifiers: ClinVar variation 961217 (VCV000961217.8), dbSNP rs139717535, ClinGen allele CA503409.

ClinVar aggregate classification (germline): Uncertain significance (1 of 4 stars; one submission).

Allele frequency attached by ClinVar (database versions not stated): 1000 Genomes Project 30x 0.00016.
gnomAD v4.1: 4 of 1,612,676 alleles (0.00025%); highest among the groups gnomAD compares: Non-Finnish European, 0.00034%; no homozygotes.

Submission:

Labcorp Genetics (formerly Invitae), Labcorp
Classification: Uncertain significance. Last evaluated: 2020-01-24. Review status: criteria provided, single submitter. Criteria: Invitae Variant Classification Sherloc (09022015). Collection method: clinical testing. Allele origin: germline.
Comment: In summary, the available evidence is currently insufficient to determine the role of this variant in disease. Therefore, it has been classified as a Variant of Uncertain Significance. Algorithms developed to predict the effect of sequence changes on RNA splicing suggest that this variant may create or strengthen a splice site, but this prediction has not been confirmed by published transcriptional studies. This variant has not been reported in the literature in individuals with SAMD11-related conditions. This variant is present in population databases (rs139717535, ExAC 0.002%). This sequence change results in a premature translational stop signal in the SAMD11 gene (p.Tyr648*). While this is not anticipated to result in nonsense mediated decay, it is expected to disrupt the last 34 amino acids of the SAMD11 protein.